The following is an entry in ClinVar:

NM_000316.3(PTH1R):c.448C>T (p.Arg150Cys)

Gene: PTH1R (parathyroid hormone 1 receptor; plus strand). Cytogenetic location: 3p21.31.
Variant type: single nucleotide variant.
Coding change: c.448C>T on transcript NM_000316.3 (MANE Select); coding-DNA position 448, C replaced by T.
Protein change: p.Arg150Cys; replaces arginine 150 with cysteine.
Molecular consequence: missense variant.
Genome position (GRCh38, 1-based): chr3:46,898,097, C>T. VCF-style: chr3-46898097-C-T. GRCh37 (hg19) VCF-style: chr3-46939587-C-T.
Other names: c.448C>T, p.Arg150Cys (NM_001184744.1); short protein forms R150C.
Identifiers: ClinVar variation 281247 (VCV000281247.46), dbSNP rs121434601, ClinGen allele CA2359185.

ClinVar aggregate classification (germline): Benign/Likely benign. Review status: criteria provided, multiple submitters, no conflicts (2 of 4 stars). 8 submissions from 7 submitters: Benign (1); Likely benign (7). Last evaluated 2026-07-01.

Conditions:
Connective tissue disorder. Also called: Connective tissue disease. Identifiers: MedGen C0009782, MONDO:0003900.
Metaphyseal chondrodysplasia, Jansen type. Also called: PTH1R-Related Jansen Metaphyseal Chondrodysplasia; Metaphyseal chondrodysplasia Murk Jansen type. Identifiers: Orphanet 33067, MedGen C0265295, MONDO:0007982, OMIM 156400.
Chondrodysplasia Blomstrand type (BOCD). Identifiers: Orphanet 50945, MedGen C1859148, MONDO:0008970, OMIM 215045.

Allele frequency attached by ClinVar (database versions not stated): 1000 Genomes Project 30x 0.00031; 1000 Genomes Project 0.00040; TOPMed 0.00147; gnomAD 0.00158 and 0.00165; gnomAD exomes 0.00167 and 0.00226; ExAC 0.00186.

Submissions (8):

CeGaT Center for Human Genetics Tuebingen
Classification: Likely benign. Last evaluated: 2026-07-01. Review status: criteria provided, single submitter. Criteria: CeGaT Center For Human Genetics Tuebingen Variant Classification Criteria Version 2. Collection method: clinical testing. Allele origin: germline. Affected: yes. Observed: 3 variant alleles.
Comment: PTH1R: BP4, BS2

Labcorp Genetics (formerly Invitae), Labcorp
Classification: Benign. Last evaluated: 2026-02-01. Review status: criteria provided, single submitter. Criteria: Invitae Variant Classification Sherloc (09022015). Collection method: clinical testing. Allele origin: germline.

Blueprint Genetics
Classification: Likely benign. Last evaluated: 2024-11-26. Review status: criteria provided, single submitter. Criteria: ACMG Guidelines, 2015. Collection method: clinical testing. Allele origin: germline.

Genome Diagnostics Laboratory, The Hospital for Sick Children
Classification: Likely benign for Connective tissue disorder. Last evaluated: 2022-07-18. Review status: criteria provided, single submitter. Criteria: ACMG Guidelines, 2015. Collection method: clinical testing. Allele origin: germline.

Illumina Laboratory Services, Illumina
Classification: Likely benign for Metaphyseal chondrodysplasia, Jansen type. Last evaluated: 2017-04-27. Review status: criteria provided, single submitter. Criteria: ICSL Variant Classification Criteria 13 December 2019. Collection method: clinical testing. Allele origin: germline.
Comment: This variant was observed as part of a predisposition screen in an ostensibly healthy population. A literature search was performed for the gene, cDNA change, and amino acid change (where applicable). No publications were found based on this search. Allele frequency data from public databases allowed determination this variant is unlikely to cause disease. Therefore, this variant is classified as likely benign.

Illumina Laboratory Services, Illumina
Classification: Likely benign for Chondrodysplasia Blomstrand type. Last evaluated: 2017-04-27. Review status: criteria provided, single submitter. Criteria: ICSL Variant Classification Criteria 13 December 2019. Collection method: clinical testing. Allele origin: germline.
Comment: the same text as in the submission from Illumina Laboratory Services, Illumina above.

Eurofins Ntd Llc (ga)
Classification: Likely benign. Last evaluated: 2015-10-05. Review status: criteria provided, single submitter. Criteria: EGL Classification Definitions 2015. Collection method: clinical testing. Allele origin: germline. Observed: 2 variant alleles, 2 heterozygotes.

Breakthrough Genomics
Classification: Likely benign. Review status: criteria provided, single submitter. Criteria: ACMG Guidelines, 2015. Collection method: not provided. Allele origin: germline. Inheritance: Autosomal recessive inheritance. Affected: yes.